The following is an entry in ClinVar:

NM_052844.4(DYNC2I2):c.1456T>C (p.Tyr486His)

Gene: DYNC2I2 (dynein 2 intermediate chain 2; minus strand). Cytogenetic location: 9q34.11.
Variant type: single nucleotide variant.
Coding change: c.1456T>C on transcript NM_052844.4 (MANE Select); coding-DNA position 1456, T replaced by C.
Protein change: p.Tyr486His; replaces tyrosine 486 with histidine.
Molecular consequence: missense variant.
Genome position (GRCh38, 1-based): chr9:128,633,899, A>G on the plus strand (T>C on the coding strand, the complement: DYNC2I2 is on the minus strand). VCF-style: chr9-128633899-A-G. GRCh37 (hg19) VCF-style: chr9-131396178-A-G.
Other names: c.1456T>C (NM_052844.3); short protein forms Y486H.
Identifiers: ClinVar variation 2046702 (VCV002046702.5), dbSNP rs756236236, ClinGen allele CA5266180.
Genomic context (GRCh38, chr9:128,633,899, plus strand): 5'-TGCCCTGGGCATCGCCCGCAGCCAAGAGCTGAGTCTGCTGGCTGTTGAACTCCAGACAGT[A>G]GACAGGGCTTTCATCCTGGGTTTGCTTGATCAAAACTGTGGGTTTCTGGGAGCTTTTCTG-3'
Protein context (NP_443076.2, residues 476-496): IKQTQDESPV[Tyr486His]CLEFNSQQTQ

ClinVar aggregate classification (germline): Uncertain significance. Review status: criteria provided, multiple submitters, no conflicts (2 of 4 stars). 2 submissions from 2 submitters: Uncertain significance (2). Last evaluated 2025-10-22.

Conditions:
Inborn genetic diseases. Identifiers: MedGen C0950123, MeSH D030342.
Short-rib thoracic dysplasia 11 with or without polydactyly (SRTD11). Also called: SHORT-RIB THORACIC DYSPLASIA 11 WITHOUT POLYDACTYLY. Identifiers: Orphanet 474, Orphanet 93271, MedGen C3810200, MONDO:0014287, OMIM 615633.

Allele frequency attached by ClinVar (database versions not stated): ExAC 0.00001.

Submissions (2):

Ambry Genetics
Classification: Uncertain significance for Inborn genetic diseases. Last evaluated: 2025-10-22. Review status: criteria provided, single submitter. Criteria: Ambry Variant Classification Scheme 2023. Collection method: clinical testing. Allele origin: germline.

Labcorp Genetics (formerly Invitae), Labcorp
Classification: Uncertain significance for Short-rib thoracic dysplasia 11 with or without polydactyly. Last evaluated: 2021-11-28. Review status: criteria provided, single submitter. Criteria: Invitae Variant Classification Sherloc (09022015). Collection method: clinical testing. Allele origin: germline.
Comment: Algorithms developed to predict the effect of missense changes on protein structure and function are either unavailable or do not agree on the potential impact of this missense change (SIFT: "Deleterious"; PolyPhen-2: "Possibly Damaging"; Align-GVGD: "Class C0"). In summary, the available evidence is currently insufficient to determine the role of this variant in disease. Therefore, it has been classified as a Variant of Uncertain Significance. This variant has not been reported in the literature in individuals affected with WDR34-related conditions. This variant is present in population databases (rs756236236, gnomAD 0.0009%). This sequence change replaces tyrosine, which is neutral and polar, with histidine, which is basic and polar, at codon 486 of the WDR34 protein (p.Tyr486His).